The following is an entry in ClinVar:

NM_004727.3(SLC24A1):c.431C>A (p.Thr144Asn)

Gene: SLC24A1 (solute carrier family 24 member 1; plus strand). Cytogenetic location: 15q22.31.
Variant type: single nucleotide variant.
Coding change: c.431C>A on transcript NM_004727.3 (MANE Select); coding-DNA position 431, C replaced by A.
Protein change: p.Thr144Asn; replaces threonine 144 with asparagine.
Molecular consequence: missense variant.
Genome position (GRCh38, 1-based): chr15:65,624,511, C>A. VCF-style: chr15-65624511-C-A. GRCh37 (hg19) VCF-style: chr15-65916849-C-A.
Other names: c.431C>A, p.Thr144Asn (NM_001301031.1, NM_001301032.1, NM_001301033.2); short protein forms T144N.
Identifiers: ClinVar variation 1038557 (VCV001038557.10), dbSNP rs558229888, ClinGen allele CA7619748.

ClinVar aggregate classification (germline): Uncertain significance (1 of 4 stars; one submission).

Allele frequency attached by ClinVar (database versions not stated): ExAC 0.00001; gnomAD 0.00001; 1000 Genomes Project 30x 0.00016; 1000 Genomes Project 0.00020.

Submission:

Labcorp Genetics (formerly Invitae), Labcorp
Classification: Uncertain significance. Last evaluated: 2022-10-25. Review status: criteria provided, single submitter. Criteria: Invitae Variant Classification Sherloc (09022015). Collection method: clinical testing. Allele origin: germline.
Comment: Algorithms developed to predict the effect of missense changes on protein structure and function are either unavailable or do not agree on the potential impact of this missense change (SIFT: "Tolerated"; PolyPhen-2: "Possibly Damaging"; Align-GVGD: "Class C0"). This sequence change replaces threonine, which is neutral and polar, with asparagine, which is neutral and polar, at codon 144 of the SLC24A1 protein (p.Thr144Asn). This variant is present in population databases (rs558229888, gnomAD 0.01%). This variant has not been reported in the literature in individuals affected with SLC24A1-related conditions. ClinVar contains an entry for this variant (Variation ID: 1038557). In summary, the available evidence is currently insufficient to determine the role of this variant in disease. Therefore, it has been classified as a Variant of Uncertain Significance.